The following is an entry in ClinVar:

NM_000274.4(OAT):c.1045G>C (p.Ala349Pro)

Gene: OAT (ornithine aminotransferase; minus strand). Cytogenetic location: 10q26.13.
Variant type: single nucleotide variant.
Coding change: c.1045G>C on transcript NM_000274.4 (MANE Select); coding-DNA position 1045, G replaced by C.
Protein change: p.Ala349Pro; replaces alanine 349 with proline.
Molecular consequence: missense variant.
Genome position (GRCh38, 1-based): chr10:124,400,954, C>G on the plus strand (G>C on the coding strand, the complement: OAT is on the minus strand). VCF-style: chr10-124400954-C-G. GRCh37 (hg19) VCF-style: chr10-126089523-C-G.
Other names: c.631G>C, p.Ala211Pro (NM_001171814.2); c.1045G>C, p.Ala349Pro (NM_001322965.2, NM_001322966.2, NM_001322967.2 and 3 more transcripts); c.724G>C, p.Ala242Pro (NM_001322971.2); c.445G>C, p.Ala149Pro (NM_001322974.2); short protein forms A149P, A211P, A242P, A349P.
Identifiers: ClinVar variation 4807420 (VCV004807420.1).

ClinVar aggregate classification (germline): Uncertain significance (1 of 4 stars; one submission).

Conditions:
Ornithine aminotransferase deficiency (GACR). Also called: HYPERORNITHINEMIA WITH GYRATE ATROPHY OF CHOROID AND RETINA; OAT DEFICIENCY; Ornithine ketoacid aminotransferase deficiency; Gyrate atrophy; Gyrate atrophy of choroid and retina; Girate atrophy of the retina. Identifiers: Orphanet 414, MedGen C0018425, MONDO:0009796, OMIM 258870.

Submission:

Labcorp Genetics (formerly Invitae), Labcorp
Classification: Uncertain significance for Ornithine aminotransferase deficiency. Last evaluated: 2025-07-21. Review status: criteria provided, single submitter. Criteria: Invitae Variant Classification Sherloc (09022015). Collection method: clinical testing. Allele origin: germline.
Comment: This sequence change replaces alanine, which is neutral and non-polar, with proline, which is neutral and non-polar, at codon 349 of the OAT protein (p.Ala349Pro). This variant is not present in population databases (gnomAD no frequency). This variant has not been reported in the literature in individuals affected with OAT-related conditions. Invitae Evidence Modeling of protein sequence and biophysical properties (such as structural, functional, and spatial information, amino acid conservation, physicochemical variation, residue mobility, and thermodynamic stability) indicates that this missense variant is expected to disrupt OAT protein function with a positive predictive value of 80%. In summary, the available evidence is currently insufficient to determine the role of this variant in disease. Therefore, it has been classified as a Variant of Uncertain Significance.